The following is an entry in ClinVar:

NM_002206.3(ITGA7):c.2642T>A (p.Val881Asp)

Gene: ITGA7 (integrin subunit alpha 7; minus strand). Cytogenetic location: 12q13.2.
Variant type: single nucleotide variant.
Coding change: c.2642T>A on transcript NM_002206.3 (MANE Select); coding-DNA position 2642, T replaced by A.
Protein change: p.Val881Asp; replaces valine 881 with aspartic acid.
Molecular consequence: missense variant.
Genome position (GRCh38, 1-based): chr12:55,693,211, A>T on the plus strand (T>A on the coding strand, the complement: ITGA7 is on the minus strand). VCF-style: chr12-55693211-A-T. GRCh37 (hg19) VCF-style: chr12-56086995-A-T.
Other names: c.2654T>A, p.Val885Asp (NM_001144996.2); c.2363T>A, p.Val788Asp (NM_001144997.2); c.2315T>A, p.Val772Asp (NM_001367993.1); c.1298T>A, p.Val433Asp (NM_001367994.1); c.2624T>A, p.Val875Asp (NM_001374465.1); c.2774T>A, p.Val925Asp (NM_001410977.1); c.2636T>A, p.Val879Asp (NM_001414029.1); c.2567T>A, p.Val856Asp (NM_001414030.1); and 5 more; short protein forms V881D, V788D, V433D, V772D, V885D, V875D, V925D, V852D.
Identifiers: ClinVar variation 195481 (VCV000195481.8), dbSNP rs794727321, ClinGen allele CA241926.
Genomic context (GRCh38, chr12:55,693,211, plus strand): 5'-ATGTTGGGCCTGGGAGAGCAAAGCCCTTTCTGCCCAGGCCCCTGCCCGCCCTCCAGCTCA[A>T]CCTGCATTGGGTACAGCAACCACTTCCCATTGGCAATCTCATGAGGCCACATGATGTTGA-3'
Protein context (NP_002197.2, residues 871-891): NGKWLLYPMQ[Val881Asp]ELEGGQGPGQ

ClinVar aggregate classification (germline): Uncertain significance. Review status: criteria provided, multiple submitters, no conflicts (2 of 4 stars). 2 submissions from 2 submitters: Uncertain significance (2). Last evaluated 2021-09-26.

Conditions:
Congenital muscular dystrophy due to integrin alpha-7 deficiency. Also called: MYOPATHY, CONGENITAL, DUE TO INTEGRIN ALPHA-7 DEFICIENCY; Congenital muscular dystrophy with integrin alpha-7 deficiency; Muscular dystrophy, congenital, due to ITGA7 deficiency. Identifiers: Orphanet 34520, MedGen C2750786, MONDO:0013177, OMIM 613204.

Allele frequency attached by ClinVar (database versions not stated): TOPMed 0.00001.
gnomAD v4.1: 4 of 1,613,934 alleles (0.00025%); highest among the groups gnomAD compares: Admixed American, 0.0067%; no homozygotes.

Submissions (2):

Labcorp Genetics (formerly Invitae), Labcorp
Classification: Uncertain significance for Congenital muscular dystrophy due to integrin alpha-7 deficiency. Last evaluated: 2021-09-26. Review status: criteria provided, single submitter. Criteria: Invitae Variant Classification Sherloc (09022015). Collection method: clinical testing. Allele origin: germline.
Comment: ClinVar contains an entry for this variant (Variation ID: 195481). In summary, the available evidence is currently insufficient to determine the role of this variant in disease. Therefore, it has been classified as a Variant of Uncertain Significance. Algorithms developed to predict the effect of missense changes on protein structure and function are either unavailable or do not agree on the potential impact of this missense change (SIFT: "Tolerated"; PolyPhen-2: "Probably Damaging"; Align-GVGD: "Class C0"). This variant has not been reported in the literature in individuals affected with ITGA7-related conditions. This variant is not present in population databases (ExAC no frequency). This sequence change replaces valine with aspartic acid at codon 881 of the ITGA7 protein (p.Val881Asp). The valine residue is moderately conserved and there is a large physicochemical difference between valine and aspartic acid.

Eurofins Ntd Llc (ga)
Classification: Uncertain significance. Last evaluated: 2015-05-05. Review status: criteria provided, single submitter. Criteria: EGL Classification Definitions 2015. Collection method: clinical testing. Allele origin: germline. Observed: 1 variant allele, 1 heterozygote.